The following is an entry in ClinVar:

NM_017617.5(NOTCH1):c.4580A>G (p.Gln1527Arg)

Gene: NOTCH1 (notch receptor 1; minus strand). Cytogenetic location: 9q34.3.
Variant type: single nucleotide variant.
Coding change: c.4580A>G on transcript NM_017617.5 (MANE Select); coding-DNA position 4580, A replaced by G.
Protein change: p.Gln1527Arg; replaces glutamine 1527 with arginine.
Molecular consequence: missense variant.
Genome position (GRCh38, 1-based): chr9:136,505,316, T>C on the plus strand (A>G on the coding strand, the complement: NOTCH1 is on the minus strand). VCF-style: chr9-136505316-T-C. GRCh37 (hg19) VCF-style: chr9-139399768-T-C.
Other names: short protein forms Q1527R.
Identifiers: ClinVar variation 4995593 (VCV004995593.1).

ClinVar aggregate classification (germline): Uncertain significance (1 of 4 stars; one submission).

Conditions:
NOTCH1-related disorder. Also called: NOTCH1-related disorders; NOTCH1-related condition.

Submission:

PreventionGenetics, part of Exact Sciences
Classification: Uncertain significance for NOTCH1-related condition. Last evaluated: 2026-08-19. Review status: criteria provided, single submitter. Criteria: ACMG Guidelines, 2015. Collection method: clinical testing. Allele origin: germline.
Comment: The NOTCH1 c.4580A>G variant is predicted to result in the amino acid substitution p.Gln1527Arg. To our knowledge, this variant has not been reported in the literature or in a large population database (gnomAD), indicating this variant is rare. At this time, the clinical significance of this variant is uncertain due to the absence of conclusive functional and genetic evidence.